The following is an entry in ClinVar:

NM_001940.4(ATN1):c.828T>C (p.Pro276=)

Gene: ATN1 (atrophin 1; plus strand). Cytogenetic location: 12p13.31.
Variant type: single nucleotide variant.
Coding change: c.828T>C on transcript NM_001940.4 (MANE Select); coding-DNA position 828, T replaced by C.
Protein change: p.Pro276=; no amino-acid change (proline 276 retained).
Molecular consequence: synonymous variant.
Genome position (GRCh38, 1-based): chr12:6,936,095, T>C. VCF-style: chr12-6936095-T-C. GRCh37 (hg19) VCF-style: chr12-7045258-T-C.
Other names: c.828T>C, p.Pro276= (NM_001007026.2, NM_001424176.1, NM_001424177.1 and 1 more transcripts); c.825T>C, p.Pro275= (NM_001424179.1, NM_001424180.1).
Identifiers: ClinVar variation 5038609 (VCV005038609.1).

ClinVar aggregate classification (germline): Likely benign (1 of 4 stars; one submission).

Submission:

CeGaT Center for Human Genetics Tuebingen
Classification: Likely benign. Last evaluated: 2026-08-01. Review status: criteria provided, single submitter. Criteria: CeGaT Center For Human Genetics Tuebingen Variant Classification Criteria Version 2. Collection method: clinical testing. Allele origin: germline. Affected: yes. Observed: 1 variant allele.
Comment: ATN1: BP4, BP7